The following is an entry in ClinVar:

NM_002637.4(PHKA1):c.1540C>T (p.Arg514Trp)

Gene: PHKA1 (phosphorylase kinase regulatory subunit alpha 1; minus strand). Cytogenetic location: Xq13.1.
Variant type: single nucleotide variant.
Coding change: c.1540C>T on transcript NM_002637.4 (MANE Select); coding-DNA position 1540, C replaced by T.
Protein change: p.Arg514Trp; replaces arginine 514 with tryptophan.
Molecular consequence: missense variant.
Genome position (GRCh38, 1-based): chrX:72,636,306, G>A on the plus strand (C>T on the coding strand, the complement: PHKA1 is on the minus strand). VCF-style: chrX-72636306-G-A. GRCh37 (hg19) VCF-style: chrX-71856156-G-A.
Other names: c.1540C>T, p.Arg514Trp (NM_001122670.2, NM_001172436.2); short protein forms R514W.
Identifiers: ClinVar variation 870719 (VCV000870719.44), dbSNP rs181530232, ClinGen allele CA10450853.

ClinVar aggregate classification (germline): Uncertain significance. Review status: criteria provided, multiple submitters, no conflicts (2 of 4 stars). 2 submissions from 2 submitters: Uncertain significance (2). Last evaluated 2023-12-06.

Conditions:
Glycogen storage disease IXd (GSD9D). Also called: Muscle Phosphorylase Kinase Deficiency; GSD IXd. Identifiers: Orphanet 715, MedGen C1845151, MONDO:0010362, OMIM 300559.

Allele frequency attached by ClinVar (database versions not stated): TOPMed 0.00001; gnomAD 0.00002 and 0.00003; ESP Exome Variant Server 0.00009; 1000 Genomes Project 30x 0.00021; 1000 Genomes Project 0.00026.
gnomAD v4.1: 12 of 1,197,048 alleles (0.001%); highest among the groups gnomAD compares: African/African-American, 0.007%; no homozygotes.

Submissions (2):

Labcorp Genetics (formerly Invitae), Labcorp
Classification: Uncertain significance for Glycogen storage disease IXd. Last evaluated: 2023-12-06. Review status: criteria provided, single submitter. Criteria: Invitae Variant Classification Sherloc (09022015). Collection method: clinical testing. Allele origin: germline.
Comment: This sequence change replaces arginine, which is basic and polar, with tryptophan, which is neutral and slightly polar, at codon 514 of the PHKA1 protein (p.Arg514Trp). This variant is present in population databases (rs181530232, gnomAD 0.02%). This variant has not been reported in the literature in individuals affected with PHKA1-related conditions. ClinVar contains an entry for this variant (Variation ID: 870719). Advanced modeling of protein sequence and biophysical properties (such as structural, functional, and spatial information, amino acid conservation, physicochemical variation, residue mobility, and thermodynamic stability) performed at Invitae indicates that this missense variant is expected to disrupt PHKA1 protein function with a positive predictive value of 80%. In summary, the available evidence is currently insufficient to determine the role of this variant in disease. Therefore, it has been classified as a Variant of Uncertain Significance.

CeGaT Center for Human Genetics Tuebingen
Classification: Uncertain significance. Last evaluated: 2020-03-01. Review status: criteria provided, single submitter. Criteria: CeGaT Center For Human Genetics Tuebingen Variant Classification Criteria Version 2. Collection method: clinical testing. Allele origin: germline. Affected: yes. Observed: 2 variant alleles.